The following is an entry in ClinVar:

NM_000465.4(BARD1):c.1810+1G>A

Gene: BARD1 (BRCA1 associated RING domain 1; minus strand). Cytogenetic location: 2q35.
Variant type: single nucleotide variant.
Coding change: c.1810+1G>A on transcript NM_000465.4 (MANE Select); the canonical splice donor site of the intron after coding-DNA position 1810, G replaced by A.
Molecular consequence: splice donor variant. On other transcripts: intron variant (1).
Genome position (GRCh38, 1-based): chr2:214,745,721, C>T on the plus strand (G>A on the coding strand, the complement: BARD1 is on the minus strand). VCF-style: chr2-214745721-C-T. GRCh37 (hg19) VCF-style: chr2-215610445-C-T.
Other names: c.400+1G>A (NM_001282548.2); c.1753+1G>A (NM_001282543.2); c.457+1G>A (NM_001282545.2); c.365-15213G>A (NM_001282549.2).
Identifiers: ClinVar variation 232643 (VCV000232643.14), dbSNP rs876659894, ClinGen allele CA10577783.

ClinVar aggregate classification (germline): Likely pathogenic. Review status: criteria provided, multiple submitters, no conflicts (2 of 4 stars). 4 submissions from 4 submitters: Likely pathogenic (4). Last evaluated 2023-05-24.

Conditions:
Hereditary cancer-predisposing syndrome. Also called: Neoplastic Syndromes, Hereditary; Tumor predisposition; Hereditary Cancer Syndrome; Hereditary neoplastic syndrome. Identifiers: Orphanet 140162, MedGen C0027672, MeSH D009386, MONDO:0015356.
Familial cancer of breast. Also called: BREAST CANCER, FAMILIAL; hereditary breast carcinoma; Hereditary breast cancer. Identifiers: Orphanet 227535, MedGen C0346153, MONDO:0016419, OMIM 114480. Disease mechanism: loss of function.

Submissions (4):

Myriad Genetics, Inc.
Classification: Likely pathogenic for Familial cancer of breast. Last evaluated: 2023-05-24. Review status: criteria provided, single submitter. Criteria: Myriad Autosomal Dominant, Autosomal Recessive and X-Linked Classification Criteria (2023). Collection method: clinical testing. Allele origin: unknown.
Comment: This variant is considered likely pathogenic. This variant occurs within a consensus splice junction and is predicted to result in abnormal mRNA splicing of either an out-of-frame exon or an in-frame exon necessary for protein stability and/or normal function.

Ambry Genetics
Classification: Likely pathogenic for Hereditary cancer-predisposing syndrome. Last evaluated: 2022-07-29. Review status: criteria provided, single submitter. Criteria: Ambry Variant Classification Scheme 2023. Collection method: clinical testing. Allele origin: germline.
Comment: The c.1810+1G>A intronic variant results from a G to A substitution one nucleotide after coding exon 8 of the BARD1 gene. This nucleotide position is highly conserved in available vertebrate species. In silico splice site analysis predicts that this alteration will weaken the native splice donor site. Alterations that disrupt the canonical splice site are expected to cause aberrant splicing, resulting in an abnormal protein or a transcript that is subject to nonsense-mediated mRNA decay. As such, this alteration is classified as likely pathogenic.

Labcorp Genetics (formerly Invitae), Labcorp
Classification: Likely pathogenic for Familial cancer of breast. Last evaluated: 2022-05-14. Review status: criteria provided, single submitter. Criteria: Invitae Variant Classification Sherloc (09022015). Collection method: clinical testing. Allele origin: germline.
Comment: In summary, the currently available evidence indicates that the variant is pathogenic, but additional data are needed to prove that conclusively. Therefore, this variant has been classified as Likely Pathogenic. Algorithms developed to predict the effect of sequence changes on RNA splicing suggest that this variant may disrupt the consensus splice site. ClinVar contains an entry for this variant (Variation ID: 232643). This variant has not been reported in the literature in individuals affected with BARD1-related conditions. This variant is not present in population databases (gnomAD no frequency). This sequence change affects a donor splice site in intron 8 of the BARD1 gene. It is expected to disrupt RNA splicing. Variants that disrupt the donor or acceptor splice site typically lead to a loss of protein function (PMID: 16199547), and loss-of-function variants in BARD1 are known to be pathogenic (PMID: 20077502, 21344236).

Revvity Omics, Revvity
Classification: Likely pathogenic. Last evaluated: 2021-09-06. Review status: criteria provided, single submitter. Criteria: ACMG Guidelines, 2015. Collection method: clinical testing. Allele origin: germline.

Literature cited by the submitters: PubMed 16199547 (cited by Labcorp Genetics (formerly Invitae), Labcorp); PubMed 20077502 (cited by Labcorp Genetics (formerly Invitae), Labcorp); PubMed 21344236 (cited by Labcorp Genetics (formerly Invitae), Labcorp).